The following is an entry in ClinVar:

NM_000214.3(JAG1):c.890T>C (p.Leu297Pro)

Gene: JAG1 (jagged canonical Notch ligand 1; minus strand). Cytogenetic location: 20p12.2.
Variant type: single nucleotide variant.
Coding change: c.890T>C on transcript NM_000214.3 (MANE Select); coding-DNA position 890, T replaced by C.
Protein change: p.Leu297Pro; replaces leucine 297 with proline.
Molecular consequence: missense variant.
Genome position (GRCh38, 1-based): chr20:10,652,247, A>G on the plus strand (T>C on the coding strand, the complement: JAG1 is on the minus strand). VCF-style: chr20-10652247-A-G. GRCh37 (hg19) VCF-style: chr20-10632895-A-G.
Other names: short protein forms L297P.
Identifiers: ClinVar variation 3573398 (VCV003573398.2).
Genomic context (GRCh38, chr20:10,652,247, plus strand): 5'-GGGCCTGTGTTGCTACAAGTTCCCCCGTTGAGACACGGCTGATGAGTCCCACAGTAATTG[A>G]GATCTGCCAAAAAGATCCTGGAGTCACTAAGAGACGCCTGTGAAGATGGCGAACCCACCA-3'
Protein context (NP_000205.1, residues 287-307): NWGGQLCDKD[Leu297Pro]NYCGTHQPCL

Conditions:
Arteriohepatic dysplasia. Also called: Alagille Syndrome. Identifiers: Orphanet 52, MedGen C0085280, MeSH D016738, MONDO:0007318.

Submission:

Gilbert/Spinner Lab, Children's Hospital of Philadelphia
No classification provided (evidence only). Condition: Alagille syndrome. Review status: no classification provided. Collection method: research. Allele origin: not applicable. Functional consequence: functionally_abnormal.
ClinVar note: "not provided" was previously submitted as the classification for the variant. However, the classification appeared to be based only on an observation of functional data so it was converted to no classification on 2025-07-30.